The following is an entry in ClinVar:

NM_172070.4(UBR3):c.5410-3dup

Gene: UBR3 (ubiquitin protein ligase E3 component n-recognin 3; plus strand). Cytogenetic location: 2q31.1.
Variant type: Duplication.
Coding change: c.5410-3dup on transcript NM_172070.4 (MANE Select); 3 bases into the intron before coding-DNA position 5410, one base duplicated (T; older notation c.5410-3dupT).
Molecular consequence: intron variant.
Genome position (GRCh38, 1-based): chr2:170,080,542, T duplicated; the last of 6 consecutive T bases (chr2:170,080,537-170,080,542); duplicating any one gives the same sequence. VCF-style (leftmost placement, unchanged base first): chr2-170080536-A-AT. GRCh37 (hg19) VCF-style: chr2-170937046-A-AT.
Identifiers: ClinVar variation 3048990 (VCV003048990.2), dbSNP rs758917195, ClinGen allele CA1960549.

ClinVar aggregate classification (germline): Likely benign (0 of 4 stars; one submission).

Conditions:
UBR3-related disorder. Also called: UBR3-related condition.

Submission:

PreventionGenetics, part of Exact Sciences
Classification: Likely benign for UBR3-related condition. Last evaluated: 2019-11-22. Review status: no assertion criteria provided. Collection method: clinical testing. Allele origin: germline.
Comment: This variant is classified as likely benign based on ACMG/AMP sequence variant interpretation guidelines (Richards et al. 2015 PMID: 25741868, with internal and published modifications).